The following is an entry in ClinVar:

ClinVar aggregate classification (germline): Pathogenic/Likely pathogenic. Review status: criteria provided, multiple submitters, no conflicts (2 of 4 stars). 5 submissions from 5 submitters: Pathogenic (1); Likely pathogenic (4). Last evaluated 2024-12-02.

Conditions:
RARS2-related disorder. Also called: RARS2-related condition.
Pontocerebellar hypoplasia type 6 (PCH6). Identifiers: Orphanet 166073, MedGen C1969084, MONDO:0012683, OMIM 611523.

Submissions (5):

Natera, Inc.
Classification: Likely pathogenic for Pontocerebellar hypoplasia, type 6. Last evaluated: 2024-12-02. Review status: criteria provided, single submitter. Criteria: Natera Variant Classification Schema (03/2026). Collection method: clinical testing. Allele origin: germline.
Comment: The c.277_280delAACA variant in RARS2 is a frameshift variant predicted to shift the reading frame beginning at codon 93 and leads to a stop codon 4 codons downstream. This variant is expected to result in nonsense mediated decay, truncation, or a dysfunctional protein product. This variant is rare in the general population with a frequency below the threshold expected for the associated phenotype(s). Given the available evidence, this variant is classified as Likely Pathogenic.

Blueprint Genetics
Classification: Likely pathogenic for RARS2-related disorders. Last evaluated: 2024-08-28. Review status: criteria provided, single submitter. Criteria: ACMG Guidelines, 2015. Collection method: clinical testing. Allele origin: germline. Affected: yes. Observed: 2 variant alleles.

Service de Génétique Médicale, Centre Hospitalier Universitaire de Nice-Université Côte d'Azur
Classification: Likely pathogenic for Pontocerebellar hypoplasia type 6. Last evaluated: 2024-02-27. Review status: criteria provided, single submitter. Criteria: ACMG Guidelines, 2015. Collection method: clinical testing. Allele origin: germline. Affected: yes.

Baylor Genetics
Classification: Likely pathogenic for Pontocerebellar hypoplasia type 6. Last evaluated: 2024-02-22. Review status: criteria provided, single submitter. Criteria: ACMG Guidelines, 2015. Collection method: clinical testing. Allele origin: unknown.

Labcorp Genetics (formerly Invitae), Labcorp
Classification: Pathogenic. Last evaluated: 2021-10-18. Review status: criteria provided, single submitter. Criteria: Invitae Variant Classification Sherloc (09022015). Collection method: clinical testing. Allele origin: germline.
Comment: For these reasons, this variant has been classified as Pathogenic. This variant has not been reported in the literature in individuals affected with RARS2-related conditions. This variant is not present in population databases (ExAC no frequency). This sequence change creates a premature translational stop signal (p.Asn93Glufs*4) in the RARS2 gene. It is expected to result in an absent or disrupted protein product. Loss-of-function variants in RARS2 are known to be pathogenic (PMID: 17847012, 22569581, 26083569).

Literature cited by the submitters: PubMed 38703036 (cited by Service de Génétique Médicale, Centre Hospitalier Universitaire de Nice-Université Côte d'Azur); PubMed 17847012 (cited by Labcorp Genetics (formerly Invitae), Labcorp); PubMed 22569581 (cited by Labcorp Genetics (formerly Invitae), Labcorp); PubMed 26083569 (cited by Labcorp Genetics (formerly Invitae), Labcorp).

NM_020320.5(RARS2):c.277_280del (p.Asn93fs)

Gene: RARS2 (arginyl-tRNA synthetase 2, mitochondrial; minus strand). Cytogenetic location: 6q15.
Variant type: Deletion.
Coding change: c.277_280del on transcript NM_020320.5 (MANE Select); coding-DNA positions 277 to 280, 4 bases deleted (AACA; older notation c.277_280delAACA).
Protein change: p.Asn93fs; shifts the reading frame from asparagine 93.
Molecular consequence: frameshift variant. On other transcripts: 5 prime UTR variant (7), non-coding transcript variant (23).
Genome position (GRCh38, 1-based): chr6:87,562,719-87,562,722, TGTT deleted on the plus strand (AACA on the coding strand, the reverse complement: RARS2 is on the minus strand); deleting any 4 consecutive bases within chr6:87,562,719-87,562,723 gives the same sequence; the c. name uses the placement nearest the transcript's 3' end. VCF-style (leftmost placement, unchanged base first): chr6-87562718-CTGTT-C. GRCh37 (hg19) VCF-style: chr6-88272436-CTGTT-C.
Other names: c.277_280delAACA (NM_020320.4); c.-193_-190del (NM_001318785.2, NM_001350509.2); c.277_280del, p.Asn93fs (NM_001350505.2); c.-249_-246del (NM_001350506.2, NM_001350507.2, NM_001350510.2 and 1 more transcripts); c.-411_-408del (NM_001350508.2); c.277_280del (NM_020320.4); short protein forms N93fs.
Identifiers: ClinVar variation 1358974 (VCV001358974.11), dbSNP rs1326705217, ClinGen allele CA829300226.
Genomic context (GRCh38, chr6:87,562,718, plus strand): 5'-AGACAGAATGAAAGCACAATGGCTGGATATTAACTTATTCTTACCTTTGTTAAGAGCTCT[CTGTT>C]TATTTTGAAATTTACAGTCCTTTGACCAGTACTGATTTCACTCACCACTGTATCACATCT-3'